The following is an entry in ClinVar:

NM_018136.5(ASPM):c.1885A>G (p.Ser629Gly)

Gene: ASPM (assembly factor for spindle microtubules; minus strand). Cytogenetic location: 1q31.3.
Variant type: single nucleotide variant.
Coding change: c.1885A>G on transcript NM_018136.5 (MANE Select); coding-DNA position 1885, A replaced by G.
Protein change: p.Ser629Gly; replaces serine 629 with glycine.
Molecular consequence: missense variant.
Genome position (GRCh38, 1-based): chr1:197,142,367, T>C on the plus strand (A>G on the coding strand, the complement: ASPM is on the minus strand). VCF-style: chr1-197142367-T-C. GRCh37 (hg19) VCF-style: chr1-197111497-T-C.
Other names: c.1885A>G, p.Ser629Gly (NM_001206846.2); c.1885A>G (NM_018136.4); short protein forms S629G.
Identifiers: ClinVar variation 2158261 (VCV002158261.3), dbSNP rs766228975, ClinGen allele CA1310629.

ClinVar aggregate classification (germline): Uncertain significance. Review status: criteria provided, multiple submitters, no conflicts (2 of 4 stars). 3 submissions from 3 submitters: Uncertain significance (3). Last evaluated 2023-04-11.

Conditions:
Inborn genetic diseases. Identifiers: MedGen C0950123, MeSH D030342.
Microcephaly 5, primary, autosomal recessive (MCPH5). Also called: ASPM Primary Microcephaly. Identifiers: Orphanet 2512, MedGen C1837501, MONDO:0012106, OMIM 608716.

Allele frequency attached by ClinVar (database versions not stated): gnomAD exomes 0.00003; TOPMed 0.00004; ExAC 0.00007.
gnomAD v4.1: 21 of 1,613,916 alleles (0.0013%); highest among the groups gnomAD compares: Admixed American, 0.033%; no homozygotes.

Submissions (3):

Genome-Nilou Lab
Classification: Uncertain significance for Microcephaly 5, primary, autosomal recessive. Last evaluated: 2023-04-11. Review status: criteria provided, single submitter. Criteria: ACMG Guidelines, 2015. Collection method: clinical testing. Allele origin: germline. Affected: no.

Labcorp Genetics (formerly Invitae), Labcorp
Classification: Uncertain significance. Last evaluated: 2022-09-27. Review status: criteria provided, single submitter. Criteria: Invitae Variant Classification Sherloc (09022015). Collection method: clinical testing. Allele origin: germline.
Comment: This sequence change replaces serine, which is neutral and polar, with glycine, which is neutral and non-polar, at codon 629 of the ASPM protein (p.Ser629Gly). The frequency data for this variant in the population databases is considered unreliable, as metrics indicate poor data quality at this position in the gnomAD database. This variant has not been reported in the literature in individuals affected with ASPM-related conditions. Advanced modeling of protein sequence and biophysical properties (such as structural, functional, and spatial information, amino acid conservation, physicochemical variation, residue mobility, and thermodynamic stability) performed at Invitae indicates that this missense variant is not expected to disrupt ASPM protein function. In summary, the available evidence is currently insufficient to determine the role of this variant in disease. Therefore, it has been classified as a Variant of Uncertain Significance.

Ambry Genetics
Classification: Uncertain significance for Inborn genetic diseases. Last evaluated: 2021-01-11. Review status: criteria provided, single submitter. Criteria: Ambry Variant Classification Scheme 2023. Collection method: clinical testing. Allele origin: germline.
Comment: The c.1885A>G (p.S629G) alteration is located in exon 3 (coding exon 3) of the ASPM gene. This alteration results from a A to G substitution at nucleotide position 1885, causing the serine (S) at amino acid position 629 to be replaced by a glycine (G). The p.S629G alteration is predicted to be tolerated by in silico analysis. Based on insufficient or conflicting evidence, the clinical significance of this alteration remains unclear.